The following is an entry in ClinVar:

NM_016373.4(WWOX):c.981G>A (p.Met327Ile)

Gene: WWOX (WW domain containing oxidoreductase; plus strand). Cytogenetic location: 16q23.1.
Variant type: single nucleotide variant.
Coding change: c.981G>A on transcript NM_016373.4 (MANE Select); coding-DNA position 981, G replaced by A.
Protein change: p.Met327Ile; replaces methionine 327 with isoleucine.
Molecular consequence: missense variant.
Genome position (GRCh38, 1-based): chr16:78,432,677, G>A. VCF-style: chr16-78432677-G-A. GRCh37 (hg19) VCF-style: chr16-78466574-G-A.
Other names: c.642G>A, p.Met214Ile (NM_001291997.2); short protein forms M327I, M214I.
Identifiers: ClinVar variation 808112 (VCV000808112.47), dbSNP rs758307666, ClinGen allele CA8183590.
Genomic context (GRCh38, chr16:78,432,677, plus strand): 5'-GCACCGTCGCCTCTCCCCACGCGGGGTCACGTCGAACGCAGTGCATCCTGGAAATATGAT[G>A]TACTCCAACATTCATCGCAGCTGGTGGGTGTACACACTGCTGTTTACCTTGGCGAGGCCT-3'
Protein context (NP_057457.1, residues 317-337): TSNAVHPGNM[Met327Ile]YSNIHRSWWV

ClinVar aggregate classification (germline): Uncertain significance. Review status: criteria provided, multiple submitters, no conflicts (2 of 4 stars). 3 submissions from 3 submitters: Uncertain significance (3). Last evaluated 2022-07-26.

Conditions:
Developmental and epileptic encephalopathy, 1 (DEE1). Also called: INFANTILE SPASM SYNDROME, X-LINKED 1; X-linked infantile spasms; West's syndrome; Tonic spasms with clustering, arrest of psychomotor development and hypsarrhythmia on EEG; X-Linked Infantile Spasm Syndrome; OHTAHARA SYNDROME, X-LINKED. Identifiers: MedGen C3463992, MONDO:0010632, OMIM 308350. Disease mechanism: loss of function.
Autosomal recessive spinocerebellar ataxia 12. Also called: SPINOCEREBELLAR ATAXIA WITH MENTAL RETARDATION AND EPILEPSY. Identifiers: Orphanet 284282, MedGen C3280452, MONDO:0013687, OMIM 614322.

Allele frequency attached by ClinVar (database versions not stated): gnomAD exomes 0.00001 and 0.00002; TOPMed 0.00001; ExAC 0.00002; gnomAD 0.00007.
gnomAD v4.1: 45 of 1,614,086 alleles (0.0028%); highest among the groups gnomAD compares: Non-Finnish European, 0.0033%; no homozygotes.

Submissions (3):

Labcorp Genetics (formerly Invitae), Labcorp
Classification: Uncertain significance for Developmental and epileptic encephalopathy, 1; Autosomal recessive spinocerebellar ataxia 12. Last evaluated: 2022-07-26. Review status: criteria provided, single submitter. Criteria: Invitae Variant Classification Sherloc (09022015). Collection method: clinical testing. Allele origin: germline.
Comment: This sequence change replaces methionine with isoleucine at codon 327 of the WWOX protein (p.Met327Ile). The methionine residue is moderately conserved and there is a small physicochemical difference between methionine and isoleucine. This variant is present in population databases (rs758307666, gnomAD 0.007%). This variant has not been reported in the literature in individuals affected with WWOX-related conditions. ClinVar contains an entry for this variant (Variation ID: 808112). Algorithms developed to predict the effect of missense changes on protein structure and function are either unavailable or do not agree on the potential impact of this missense change (SIFT: "Not Available"; PolyPhen-2: "Benign"; Align-GVGD: "Not Available"). In summary, the available evidence is currently insufficient to determine the role of this variant in disease. Therefore, it has been classified as a Variant of Uncertain Significance.

GeneDx
Classification: Uncertain significance. Last evaluated: 2020-12-14. Review status: criteria provided, single submitter. Criteria: GeneDx Variant Classification Process June 2021. Collection method: clinical testing. Allele origin: germline. Affected: yes.
Comment: Not observed in large population cohorts (Lek et al., 2016); In silico analysis, which includes protein predictors and evolutionary conservation, supports that this variant does not alter protein structure/function; Has not been previously published as pathogenic or benign to our knowledge

CeGaT Center for Human Genetics Tuebingen
Classification: Uncertain significance. Last evaluated: 2017-01-01. Review status: criteria provided, single submitter. Criteria: CeGaT Center For Human Genetics Tuebingen Variant Classification Criteria Version 2. Collection method: clinical testing. Allele origin: germline. Affected: yes. Observed: 1 variant allele.